The following is an entry in ClinVar:

ClinVar aggregate classification (germline): Uncertain significance. Review status: criteria provided, multiple submitters, no conflicts (2 of 4 stars). 2 submissions from 2 submitters: Uncertain significance (2). Last evaluated 2026-08-31.

Conditions:
Hereditary cancer-predisposing syndrome. Also called: Tumor predisposition; Hereditary Cancer Syndrome; Hereditary neoplastic syndrome; Neoplastic Syndromes, Hereditary. Identifiers: Orphanet 140162, MedGen C0027672, MeSH D009386, MONDO:0015356.

Submissions (2):

Ambry Genetics
Classification: Uncertain significance for Hereditary cancer-predisposing syndrome. Last evaluated: 2026-08-31. Review status: criteria provided, single submitter. Criteria: Ambry Variant Classification Scheme 2023. Collection method: clinical testing. Allele origin: germline.
Comment: The p.G226R variant (also known as c.676G>A), located in coding exon 2 of the HOXB13 gene, results from a G to A substitution at nucleotide position 676. The glycine at codon 226 is replaced by arginine, an amino acid with dissimilar properties. This amino acid position is conserved. In addition, the in silico prediction for this alteration is inconclusive. Based on the available evidence, the clinical significance of this variant remains unclear.

Labcorp Genetics (formerly Invitae), Labcorp
Classification: Uncertain significance. Last evaluated: 2020-04-15. Review status: criteria provided, single submitter. Criteria: Invitae Variant Classification Sherloc (09022015). Collection method: clinical testing. Allele origin: germline.
Comment: In summary, the available evidence is currently insufficient to determine the role of this variant in disease. Therefore, it has been classified as a Variant of Uncertain Significance. Algorithms developed to predict the effect of missense changes on protein structure and function are either unavailable or do not agree on the potential impact of this missense change (SIFT: "Tolerated"; PolyPhen-2: "Probably Damaging"; Align-GVGD: "Class C0"). This sequence change replaces glycine with arginine at codon 226 of the HOXB13 protein (p.Gly226Arg). The glycine residue is moderately conserved and there is a moderate physicochemical difference between glycine and arginine. This variant is not present in population databases (ExAC no frequency). This variant has not been reported in the literature in individuals with HOXB13-related conditions.

NM_006361.6(HOXB13):c.676G>A (p.Gly226Arg)

Gene: HOXB13 (homeobox B13; minus strand). Cytogenetic location: 17q21.32.
Variant type: single nucleotide variant.
Coding change: c.676G>A on transcript NM_006361.6 (MANE Select); coding-DNA position 676, G replaced by A.
Protein change: p.Gly226Arg; replaces glycine 226 with arginine.
Molecular consequence: missense variant.
Genome position (GRCh38, 1-based): chr17:48,726,969, C>T on the plus strand (G>A on the coding strand, the complement: HOXB13 is on the minus strand). VCF-style: chr17-48726969-C-T. GRCh37 (hg19) VCF-style: chr17-46804331-C-T.
Other names: c.676G>A (NM_006361.5); short protein forms G226R.
Identifiers: ClinVar variation 1020868 (VCV001020868.9), dbSNP rs2038218185, ClinGen allele CA400106687.